The following is an entry in ClinVar:

NM_000088.4(COL1A1):c.2192G>C (p.Gly731Ala)

Gene: COL1A1 (collagen type I alpha 1 chain; minus strand). Cytogenetic location: 17q21.33.
Variant type: single nucleotide variant.
Coding change: c.2192G>C on transcript NM_000088.4 (MANE Select); coding-DNA position 2192, G replaced by C.
Protein change: p.Gly731Ala; replaces glycine 731 with alanine.
Molecular consequence: missense variant.
Genome position (GRCh38, 1-based): chr17:50,191,426, C>G on the plus strand (G>C on the coding strand, the complement: COL1A1 is on the minus strand). VCF-style: chr17-50191426-C-G. GRCh37 (hg19) VCF-style: chr17-48268787-C-G.
Other names: short protein forms G731A.
Identifiers: ClinVar variation 3722865 (VCV003722865.2).

ClinVar aggregate classification (germline): Pathogenic (1 of 4 stars; one submission).

Conditions:
Osteogenesis imperfecta type I (OI1). Also called: OI, TYPE I; OSTEOGENESIS IMPERFECTA TARDA; OSTEOGENESIS IMPERFECTA WITH BLUE SCLERAE; Osteogenesis imperfecta type 1; Lobstein's Disease; Lobstein disease. Identifiers: Orphanet 216796, Orphanet 666, MedGen C0023931, MONDO:0008146, OMIM 166200. Disease mechanism: loss of function.

Submission:

Labcorp Genetics (formerly Invitae), Labcorp
Classification: Pathogenic for Osteogenesis imperfecta type I. Last evaluated: 2024-08-29. Review status: criteria provided, single submitter. Criteria: Invitae Variant Classification Sherloc (09022015). Collection method: clinical testing. Allele origin: germline.
Comment: This sequence change replaces glycine, which is neutral and non-polar, with alanine, which is neutral and non-polar, at codon 731 of the COL1A1 protein (p.Gly731Ala). This variant is not present in population databases (gnomAD no frequency). This missense change has been observed in individual(s) with osteogenesis imperfecta (PMID: 25742658, 30715774). Invitae Evidence Modeling of protein sequence and biophysical properties (such as structural, functional, and spatial information, amino acid conservation, physicochemical variation, residue mobility, and thermodynamic stability) indicates that this missense variant is expected to disrupt COL1A1 protein function with a positive predictive value of 95%. This variant disrupts the triple helix domain of COL1A1. Glycine residues within the Gly-Xaa-Yaa repeats of the triple helix domain are required for the structure and stability of fibrillar collagens (PMID: 7695699, 8218237, 19344236). In COL1A1, variants affecting these glycine residues are significantly enriched in individuals with disease (PMID: 9016532, 17078022) compared to the general population (ExAC). For these reasons, this variant has been classified as Pathogenic.

Literature cited by the submitters: PubMed 25742658; PubMed 30715774; PubMed 7695699; PubMed 8218237; PubMed 19344236; PubMed 9016532; PubMed 17078022.